The following is an entry in ClinVar:

ClinVar aggregate classification (germline): Uncertain significance. Review status: criteria provided, multiple submitters, no conflicts (2 of 4 stars). 3 submissions from 3 submitters: Uncertain significance (3). Last evaluated 2023-12-30.

Conditions:
Combined oxidative phosphorylation defect type 17. Also called: Combined oxidative phosphorylation deficiency 17. Identifiers: Orphanet 369913, MedGen C3809526, MONDO:0014190, OMIM 615440.
Inborn genetic diseases. Identifiers: MedGen C0950123, MeSH D030342.

Allele frequency attached by ClinVar (database versions not stated): gnomAD 0.00001; TOPMed 0.00001.
gnomAD v4.1: 8 of 1,613,734 alleles (0.0005%); highest among the groups gnomAD compares: Admixed American, 0.0067%; no homozygotes.

Submissions (3):

Labcorp Genetics (formerly Invitae), Labcorp
Classification: Uncertain significance for Combined oxidative phosphorylation defect type 17. Last evaluated: 2023-12-30. Review status: criteria provided, single submitter. Criteria: Invitae Variant Classification Sherloc (09022015). Collection method: clinical testing. Allele origin: germline.
Comment: This sequence change replaces arginine, which is basic and polar, with tryptophan, which is neutral and slightly polar, at codon 675 of the ELAC2 protein (p.Arg675Trp). This variant is present in population databases (no rsID available, gnomAD 0.003%). This variant has not been reported in the literature in individuals affected with ELAC2-related conditions. ClinVar contains an entry for this variant (Variation ID: 1501545). Advanced modeling of protein sequence and biophysical properties (such as structural, functional, and spatial information, amino acid conservation, physicochemical variation, residue mobility, and thermodynamic stability) performed at Invitae indicates that this missense variant is not expected to disrupt ELAC2 protein function with a negative predictive value of 80%. In summary, the available evidence is currently insufficient to determine the role of this variant in disease. Therefore, it has been classified as a Variant of Uncertain Significance.

Ambry Genetics
Classification: Uncertain significance for Inborn genetic diseases. Last evaluated: 2022-10-26. Review status: criteria provided, single submitter. Criteria: Ambry Variant Classification Scheme 2023. Collection method: clinical testing. Allele origin: germline.

Revvity Omics, Revvity
Classification: Uncertain significance for Combined oxidative phosphorylation defect type 17. Last evaluated: 2020-04-09. Review status: criteria provided, single submitter. Criteria: ACMG Guidelines, 2015. Collection method: clinical testing. Allele origin: germline.

NM_018127.7(ELAC2):c.2023C>T (p.Arg675Trp)

Gene: ELAC2 (elaC ribonuclease Z 2; minus strand). Cytogenetic location: 17p12.
Variant type: single nucleotide variant.
Coding change: c.2023C>T on transcript NM_018127.7 (MANE Select); coding-DNA position 2023, C replaced by T.
Protein change: p.Arg675Trp; replaces arginine 675 with tryptophan.
Molecular consequence: missense variant.
Genome position (GRCh38, 1-based): chr17:12,994,770, G>A on the plus strand (C>T on the coding strand, the complement: ELAC2 is on the minus strand). VCF-style: chr17-12994770-G-A. GRCh37 (hg19) VCF-style: chr17-12898087-G-A.
Other names: c.1903C>T, p.Arg635Trp (NM_001165962.2); c.2020C>T, p.Arg674Trp (NM_173717.2); c.2023C>T (NM_018127.6); short protein forms R674W, R675W, R635W.
Identifiers: ClinVar variation 1501545 (VCV001501545.10), dbSNP rs1157458251, ClinGen allele CA398223005.